The following is an entry in ClinVar:

ClinVar aggregate classification (germline): Uncertain significance (1 of 4 stars; one submission).

Submission:

Labcorp Genetics (formerly Invitae), Labcorp
Classification: Uncertain significance. Last evaluated: 2022-06-27. Review status: criteria provided, single submitter. Criteria: Invitae Variant Classification Sherloc (09022015). Collection method: clinical testing. Allele origin: germline.
Comment: In summary, the available evidence is currently insufficient to determine the role of this variant in disease. Therefore, it has been classified as a Variant of Uncertain Significance. Algorithms developed to predict the effect of missense changes on protein structure and function output the following: SIFT: "Tolerated"; PolyPhen-2: "Benign"; Align-GVGD: "Class C0". The aspartic acid amino acid residue is found in multiple mammalian species, which suggests that this missense change does not adversely affect protein function. This variant has not been reported in the literature in individuals affected with SPINT2-related conditions. This variant is not present in population databases (gnomAD no frequency). This sequence change replaces glutamic acid, which is acidic and polar, with aspartic acid, which is acidic and polar, at codon 82 of the SPINT2 protein (p.Glu82Asp).

NM_021102.4(SPINT2):c.246G>C (p.Glu82Asp)

Gene: SPINT2 (serine peptidase inhibitor, Kunitz type 2; plus strand). Cytogenetic location: 19q13.2.
Variant type: single nucleotide variant.
Coding change: c.246G>C on transcript NM_021102.4 (MANE Select); coding-DNA position 246, G replaced by C.
Protein change: p.Glu82Asp; replaces glutamic acid 82 with aspartic acid.
Molecular consequence: missense variant. On other transcripts: intron variant (1).
Genome position (GRCh38, 1-based): chr19:38,283,766, G>C. VCF-style: chr19-38283766-G-C. GRCh37 (hg19) VCF-style: chr19-38774406-G-C.
Other names: c.107-4110G>C (NM_001166103.2); short protein forms E82D.
Identifiers: ClinVar variation 1463520 (VCV001463520.8), dbSNP rs748665791, ClinGen allele CA405630104.